The following is an entry in ClinVar:

NM_020975.6(RET):c.968C>A (p.Thr323Asn)

Gene: RET (ret proto-oncogene; plus strand). Cytogenetic location: 10q11.21.
Variant type: single nucleotide variant.
Coding change: c.968C>A on transcript NM_020975.6 (MANE Select); coding-DNA position 968, C replaced by A.
Protein change: p.Thr323Asn; replaces threonine 323 with asparagine.
Molecular consequence: missense variant.
Genome position (GRCh38, 1-based): chr10:43,106,476, C>A. VCF-style: chr10-43106476-C-A. GRCh37 (hg19) VCF-style: chr10-43601924-C-A.
Other names: c.968C>A, p.Thr323Asn (NM_000323.2, NM_001406743.1, NM_001406744.1 and 6 more transcripts); c.206C>A, p.Thr69Asn (NM_001355216.2); c.839C>A, p.Thr280Asn (NM_001406761.1, NM_001406762.1, NM_001406764.1 and 1 more transcripts); c.680C>A, p.Thr227Asn (NM_001406766.1, NM_001406767.1, NM_001406770.1); short protein forms T323N, T227N, T69N, T280N.
Identifiers: ClinVar variation 2016304 (VCV002016304.4), dbSNP rs2538404118, ClinGen allele CA376546144.

ClinVar aggregate classification (germline): Uncertain significance (1 of 4 stars; one submission).

Conditions:
Multiple endocrine neoplasia, type 2 (MEN2). Identifiers: Orphanet 653, MedGen C4048306, MONDO:0019003. Disease mechanism: gain of function.

Submission:

Labcorp Genetics (formerly Invitae), Labcorp
Classification: Uncertain significance for Multiple endocrine neoplasia, type 2. Last evaluated: 2023-10-03. Review status: criteria provided, single submitter. Criteria: Invitae Variant Classification Sherloc (09022015). Collection method: clinical testing. Allele origin: germline.
Comment: This sequence change replaces threonine, which is neutral and polar, with asparagine, which is neutral and polar, at codon 323 of the RET protein (p.Thr323Asn). This variant is not present in population databases (gnomAD no frequency). This variant has not been reported in the literature in individuals affected with RET-related conditions. ClinVar contains an entry for this variant (Variation ID: 2016304). An algorithm developed to predict the effect of missense changes on protein structure and function (PolyPhen-2) suggests that this variant is likely to be tolerated. In summary, the available evidence is currently insufficient to determine the role of this variant in disease. Therefore, it has been classified as a Variant of Uncertain Significance.